The following is an entry in ClinVar:

NM_057175.5(NAA15):c.1785A>T (p.Leu595=)

Gene: NAA15 (N-alpha-acetyltransferase 15, NatA auxiliary subunit; plus strand). Cytogenetic location: 4q31.1.
Variant type: single nucleotide variant.
Coding change: c.1785A>T on transcript NM_057175.5 (MANE Select); coding-DNA position 1785, A replaced by T.
Protein change: p.Leu595=; no amino-acid change (leucine 595 retained).
Molecular consequence: synonymous variant.
Genome position (GRCh38, 1-based): chr4:139,370,242, A>T. VCF-style: chr4-139370242-A-T. GRCh37 (hg19) VCF-style: chr4-140291396-A-T.
Other names: c.1785A>T (NM_057175.3).
Identifiers: ClinVar variation 1567204 (VCV001567204.37), dbSNP rs199806707, ClinGen allele CA3083716.

ClinVar aggregate classification (germline): Benign. Review status: criteria provided, multiple submitters, no conflicts (2 of 4 stars). 4 submissions from 4 submitters: Benign (3). 1 of the submissions does not count toward it. Last evaluated 2026-06-01.

Conditions:
NAA15-related disorder.

Allele frequency attached by ClinVar (database versions not stated): TOPMed 0.00070; ESP Exome Variant Server 0.00102; gnomAD exomes 0.00134 and 0.00207; 1000 Genomes Project 0.00300; 1000 Genomes Project 30x 0.00312; ExAC 0.00412.
gnomAD v4.1: 2,054 of 1,559,942 alleles (0.13%); highest among the groups gnomAD compares: Middle Eastern, 1.6%; 15 homozygotes.

Submissions (4):

CeGaT Center for Human Genetics Tuebingen
Classification: Benign. Last evaluated: 2026-06-01. Review status: criteria provided, single submitter. Criteria: CeGaT Center For Human Genetics Tuebingen Variant Classification Criteria Version 2. Collection method: clinical testing. Allele origin: germline. Affected: yes. Observed: 13 variant alleles.
Comment: NAA15: BP4, BP7, BS1, BS2

Labcorp Genetics (formerly Invitae), Labcorp
Classification: Benign. Last evaluated: 2026-01-09. Review status: criteria provided, single submitter. Criteria: Invitae Variant Classification Sherloc (09022015). Collection method: clinical testing. Allele origin: germline.

Breakthrough Genomics
Classification: Benign. Review status: criteria provided, single submitter. Criteria: ACMG Guidelines, 2015. Collection method: not provided. Allele origin: germline. Inheritance: Autosomal dominant inheritance. Affected: yes.

PreventionGenetics, part of Exact Sciences
Classification: Benign for NAA15-related condition. Last evaluated: 2021-03-29. Review status: no assertion criteria provided. Collection method: clinical testing. Allele origin: germline. Not counted in ClinVar's aggregate classification.
Comment: This variant is classified as benign based on ACMG/AMP sequence variant interpretation guidelines (Richards et al. 2015 PMID: 25741868, with internal and published modifications).